The following is an entry in ClinVar:

ClinVar aggregate classification (germline): Pathogenic (1 of 4 stars; one submission).

Conditions:
Glutamate formiminotransferase deficiency. Also called: Formiminoglutamic aciduria; Arakawa syndrome 1. Identifiers: Orphanet 51208, MedGen C0268609, MONDO:0009240, OMIM 229100.

Submission:

Labcorp Genetics (formerly Invitae), Labcorp
Classification: Pathogenic for Glutamate formiminotransferase deficiency. Last evaluated: 2023-10-03. Review status: criteria provided, single submitter. Criteria: Invitae Variant Classification Sherloc (09022015). Collection method: clinical testing. Allele origin: unknown.
Comment: This variant is a gross deletion of the genomic region encompassing exon(s) 1-10 of the FTCD gene, which includes the initiator codon. This deletion extends beyond the assayed region for this gene and therefore may encompass additional genes. It is expected to result in an absent or disrupted protein product. Loss-of-function variants in FTCD are known to be pathogenic (PMID: 29178637, 30740726). This variant has not been reported in the literature in individuals affected with FTCD-related conditions. For these reasons, this variant has been classified as Pathogenic.

Literature cited by the submitters: PubMed 29178637; PubMed 30740726.

NC_000021.8:g.(?_47565311)_(47575437_?)del

Gene: FTCD (formimidoyltransferase cyclodeaminase; minus strand). Cytogenetic location: 21q22.3.
Variant type: Deletion.
Identifiers: ClinVar variation 3248148 (VCV003248148.1).